The following is an entry in ClinVar:

ClinVar aggregate classification (germline): Pathogenic (1 of 4 stars; one submission).

Submission:

Labcorp Genetics (formerly Invitae), Labcorp
Classification: Pathogenic. Last evaluated: 2022-02-24. Review status: criteria provided, single submitter. Criteria: Invitae Variant Classification Sherloc (09022015). Collection method: clinical testing. Allele origin: germline.
Comment: For these reasons, this variant has been classified as Pathogenic. This variant has not been reported in the literature in individuals affected with HPS4-related conditions. This variant is not present in population databases (gnomAD no frequency). This sequence change creates a premature translational stop signal (p.Arg463Glufs*12) in the HPS4 gene. It is expected to result in an absent or disrupted protein product. Loss-of-function variants in HPS4 are known to be pathogenic (PMID: 12664304).

Literature cited by the submitters: PubMed 12664304.

NM_022081.6(HPS4):c.1387del (p.Arg463fs)

Gene: HPS4 (HPS4 biogenesis of lysosomal organelles complex 3 subunit 2; minus strand). Cytogenetic location: 22q12.1.
Variant type: Deletion.
Coding change: c.1387del on transcript NM_022081.6 (MANE Select); coding-DNA position 1387, one base deleted (A; older notation c.1387delA).
Protein change: p.Arg463fs; shifts the reading frame from arginine 463.
Molecular consequence: frameshift variant. On other transcripts: non-coding transcript variant (8).
Genome position (GRCh38, 1-based): chr22:26,464,243, T deleted on the plus strand (A on the coding strand, the reverse complement: HPS4 is on the minus strand). VCF-style (leftmost placement, unchanged base first): chr22-26464242-CT-C. GRCh37 (hg19) VCF-style: chr22-26860208-CT-C.
Other names: c.1387del, p.Arg463fs (NM_001349896.1, NM_001349898.2, NM_001349899.2 and 4 more transcripts); c.1441del, p.Arg481fs (NM_001349900.2, NM_001349901.1); c.1372del, p.Arg458fs (NM_152841.2); short protein forms R463fs, R481fs, R458fs.
Identifiers: ClinVar variation 1436016 (VCV001436016.6), dbSNP rs2146546594, ClinGen allele CA2573157842.